The following is an entry in ClinVar:

ClinVar aggregate classification (germline): Uncertain significance (1 of 4 stars; one submission).

gnomAD v4.1: 1 of 1,614,090 alleles (0.000062%); highest among the groups gnomAD compares: East Asian, 0.0022%; no homozygotes.

Submission:

Ambry Genetics
Classification: Uncertain significance. Last evaluated: 2025-06-13. Review status: criteria provided, single submitter. Criteria: Ambry Variant Classification Scheme 2023. Collection method: clinical testing. Allele origin: germline.
Comment: The p.P23R variant (also known as c.68C>G), located in coding exon 1 of the TET2 gene, results from a C to G substitution at nucleotide position 68. The proline at codon 23 is replaced by arginine, an amino acid with dissimilar properties. This amino acid position is conserved. In addition, this alteration is predicted to be tolerated by in silico analysis. Based on the available evidence, the clinical significance of this variant remains unclear.

NM_001127208.3(TET2):c.68C>G (p.Pro23Arg)

Genes: TET2 (tet methylcytosine dioxygenase 2; plus strand), TET2-AS1 (TET2 antisense RNA 1; minus strand). Cytogenetic location: 4q24.
Variant type: single nucleotide variant.
Coding change: c.68C>G on transcript NM_001127208.3 (MANE Select); coding-DNA position 68, C replaced by G.
Protein change: p.Pro23Arg; replaces proline 23 with arginine.
Molecular consequence: missense variant.
Genome position (GRCh38, 1-based): chr4:105,234,010, C>G. VCF-style: chr4-105234010-C-G. GRCh37 (hg19) VCF-style: chr4-106155167-C-G.
Other names: c.68C>G, p.Pro23Arg (NM_017628.4); short protein forms P23R.
Identifiers: ClinVar variation 3967715 (VCV003967715.1).